The following is an entry in ClinVar:

NM_004415.4(DSP):c.7426G>A (p.Glu2476Lys)

Gene: DSP (desmoplakin; plus strand). Cytogenetic location: 6p24.3.
Variant type: single nucleotide variant.
Coding change: c.7426G>A on transcript NM_004415.4 (MANE Select); coding-DNA position 7426, G replaced by A.
Protein change: p.Glu2476Lys; replaces glutamic acid 2476 with lysine.
Molecular consequence: missense variant.
Genome position (GRCh38, 1-based): chr6:7,584,688, G>A. VCF-style: chr6-7584688-G-A. GRCh37 (hg19) VCF-style: chr6-7584921-G-A.
Other names: c.5629G>A, p.Glu1877Lys (NM_001008844.3); c.6097G>A, p.Glu2033Lys (NM_001319034.2); short protein forms E1877K, E2033K, E2476K.
Identifiers: ClinVar variation 3760040 (VCV003760040.2).

ClinVar aggregate classification (germline): Uncertain significance (1 of 4 stars; one submission).

Conditions:
Arrhythmogenic cardiomyopathy with wooly hair and keratoderma. Also called: PALMOPLANTAR KERATODERMA WITH LEFT VENTRICULAR CARDIOMYOPATHY AND WOOLLY HAIR; Carvajal syndrome; Dilated cardiomyopathy with woolly hair and keratoderma; Arrhythmogenic cardiomyopathy with woolly hair and keratoderma. Identifiers: Orphanet 65282, MedGen C1854063, MONDO:0011581, OMIM 605676.
Arrhythmogenic right ventricular dysplasia 8 (ARVD8). Also called: Arrhythmogenic Right Ventricular Dysplasia/Cardiomyopathy 8; ARRHYTHMOGENIC RIGHT VENTRICULAR DYSPLASIA, FAMILIAL, 8; ARRHYTHMOGENIC RIGHT VENTRICULAR CARDIOMYOPATHY 8. Identifiers: MedGen C1843896, MONDO:0011831, OMIM 607450.

Submission:

Labcorp Genetics (formerly Invitae), Labcorp
Classification: Uncertain significance for Arrhythmogenic cardiomyopathy with wooly hair and keratoderma; Arrhythmogenic right ventricular dysplasia 8. Last evaluated: 2024-10-01. Review status: criteria provided, single submitter. Criteria: Invitae Variant Classification Sherloc (09022015). Collection method: clinical testing. Allele origin: germline.
Comment: This sequence change replaces glutamic acid, which is acidic and polar, with lysine, which is basic and polar, at codon 2476 of the DSP protein (p.Glu2476Lys). This variant is not present in population databases (gnomAD no frequency). This variant has not been reported in the literature in individuals affected with DSP-related conditions. An algorithm developed to predict the effect of missense changes on protein structure and function (PolyPhen-2) suggests that this variant is likely to be disruptive. In summary, the available evidence is currently insufficient to determine the role of this variant in disease. Therefore, it has been classified as a Variant of Uncertain Significance.